The following is an entry in ClinVar:

NM_001128228.3(TPRN):c.1016C>G (p.Ala339Gly)

Gene: TPRN (taperin; minus strand). Cytogenetic location: 9q34.3.
Variant type: single nucleotide variant.
Coding change: c.1016C>G on transcript NM_001128228.3 (MANE Select); coding-DNA position 1016, C replaced by G.
Protein change: p.Ala339Gly; replaces alanine 339 with glycine.
Molecular consequence: missense variant.
Genome position (GRCh38, 1-based): chr9:137,199,696, G>C on the plus strand (C>G on the coding strand, the complement: TPRN is on the minus strand). VCF-style: chr9-137199696-G-C. GRCh37 (hg19) VCF-style: chr9-140094148-G-C.
Other names: short protein forms A339G.
Identifiers: ClinVar variation 3603062 (VCV003603062.1).

ClinVar aggregate classification (germline): Uncertain significance (1 of 4 stars; one submission).

Submission:

GeneDx
Classification: Uncertain significance. Last evaluated: 2024-08-05. Review status: criteria provided, single submitter. Criteria: GeneDx Variant Classification Process June 2021. Collection method: clinical testing. Allele origin: germline. Affected: yes.
Comment: Not observed at significant frequency in large population cohorts (gnomAD); In silico analysis indicates that this missense variant does not alter protein structure/function; Has not been previously published as pathogenic or benign to our knowledge